The following is an entry in ClinVar:

ClinVar aggregate classification (germline): Conflicting classifications of pathogenicity. Review status: criteria provided, conflicting classifications (1 of 4 stars). 2 submissions from 2 submitters: Uncertain significance (1); Likely benign (1). Last evaluated 2025-04-05.

Conditions:
Hereditary cancer-predisposing syndrome. Also called: Neoplastic Syndromes, Hereditary; Hereditary neoplastic syndrome; Hereditary Cancer Syndrome; Tumor predisposition. Identifiers: Orphanet 140162, MedGen C0027672, MeSH D009386, MONDO:0015356.
Tuberous sclerosis 2 (TSC2). Identifiers: Orphanet 805, MedGen C1860707, MONDO:0013199, OMIM 613254.

Submissions (2):

Ambry Genetics
Classification: Likely benign for Hereditary cancer-predisposing syndrome. Last evaluated: 2025-04-05. Review status: criteria provided, single submitter. Criteria: Ambry Variant Classification Scheme 2023. Collection method: clinical testing. Allele origin: germline.

Labcorp Genetics (formerly Invitae), Labcorp
Classification: Uncertain significance for Tuberous sclerosis 2. Last evaluated: 2025-03-14. Review status: criteria provided, single submitter. Criteria: Invitae Variant Classification Sherloc (09022015). Collection method: clinical testing. Allele origin: germline.
Comment: This sequence change replaces valine, which is neutral and non-polar, with phenylalanine, which is neutral and non-polar, at codon 1320 of the TSC2 protein (p.Val1320Phe). This variant is not present in population databases (gnomAD no frequency). This variant has not been reported in the literature in individuals affected with TSC2-related conditions. ClinVar contains an entry for this variant (Variation ID: 2168342). Invitae Evidence Modeling of protein sequence and biophysical properties (such as structural, functional, and spatial information, amino acid conservation, physicochemical variation, residue mobility, and thermodynamic stability) indicates that this missense variant is not expected to disrupt TSC2 protein function with a negative predictive value of 95%. In summary, the available evidence is currently insufficient to determine the role of this variant in disease. Therefore, it has been classified as a Variant of Uncertain Significance.

NM_000548.5(TSC2):c.3958G>T (p.Val1320Phe)

Gene: TSC2 (TSC complex subunit 2; plus strand). Cytogenetic location: 16p13.3.
Variant type: single nucleotide variant.
Coding change: c.3958G>T on transcript NM_000548.5 (MANE Select); coding-DNA position 3958, G replaced by T.
Protein change: p.Val1320Phe; replaces valine 1320 with phenylalanine.
Molecular consequence: missense variant.
Genome position (GRCh38, 1-based): chr16:2,083,769, G>T. VCF-style: chr16-2083769-G-T. GRCh37 (hg19) VCF-style: chr16-2133770-G-T.
Other names: c.3886G>T, p.Val1296Phe (NM_001406664.1); c.3880G>T, p.Val1294Phe (NM_001406665.1); c.3850G>T, p.Val1284Phe (NM_001406667.1); c.3847G>T, p.Val1283Phe (NM_001406668.1); c.3778G>T, p.Val1260Phe (NM_001406670.1); c.3748G>T, p.Val1250Phe (NM_001406671.1); c.3745G>T, p.Val1249Phe (NM_001406673.1); c.3742G>T, p.Val1248Phe (NM_001406675.1); and 26 more; short protein forms V1216F, V1217F, V1264F, V1296F, V1053F, V1054F, V1076F, V1096F.
Identifiers: ClinVar variation 2168342 (VCV002168342.5), dbSNP rs767495365, ClinGen allele CA394297440.